The following is an entry in ClinVar:

ClinVar aggregate classification (germline): Conflicting classifications of pathogenicity. Review status: criteria provided, conflicting classifications (1 of 4 stars). 7 submissions from 6 submitters: Uncertain significance (1); Benign (1); Likely benign (4). 1 of the submissions does not count toward it. Last evaluated 2026-01-28.

Conditions:
Lethal congenital contractural syndrome Finnish type.
GLE1-related disorder. Also called: GLE1-related condition; GLE1-related disorders.
Lethal arthrogryposis-anterior horn cell disease syndrome (CAAHD). Also called: CONGENITAL ARTHROGRYPOSIS WITH ANTERIOR HORN CELL DISEASE. Identifiers: Orphanet 53696, MedGen C5193016, MONDO:0012750, OMIM 611890.
Lethal congenital contracture syndrome 1 (LCCS1). Also called: MULTIPLE CONTRACTURE SYNDROME, FINNISH TYPE. Identifiers: Orphanet 1486, MedGen C1854664, MONDO:0009670, OMIM 253310.

Allele frequency attached by ClinVar (database versions not stated): 1000 Genomes Project 0.00120; gnomAD exomes 0.00012 and 0.00043; ESP Exome Variant Server 0.00031; gnomAD 0.00031 and 0.00038; TOPMed 0.00042; ExAC 0.00044; 1000 Genomes Project 30x 0.00094.

Submissions (7):

Labcorp Genetics (formerly Invitae), Labcorp
Classification: Benign. Last evaluated: 2026-01-28. Review status: criteria provided, single submitter. Criteria: Invitae Variant Classification Sherloc (09022015). Collection method: clinical testing. Allele origin: germline.

PreventionGenetics, part of Exact Sciences
Classification: Likely benign for GLE1-related condition. Last evaluated: 2025-01-17. Review status: criteria provided, single submitter. Criteria: ACMG Guidelines, 2015. Collection method: clinical testing. Allele origin: germline.
Comment: This variant is classified as likely benign based on ACMG/AMP sequence variant interpretation guidelines (Richards et al. 2015 PMID: 25741868, with internal and published modifications).

Blueprint Genetics
Classification: Likely benign. Last evaluated: 2024-10-28. Review status: criteria provided, single submitter. Criteria: ACMG Guidelines, 2015. Collection method: clinical testing. Allele origin: germline.

Illumina Laboratory Services, Illumina
Classification: Likely benign for Lethal congenital contracture syndrome 1. Last evaluated: 2018-01-13. Review status: criteria provided, single submitter. Criteria: ICSL Variant Classification Criteria 13 December 2019. Collection method: clinical testing. Allele origin: germline.
Comment: This variant was observed in the ICSL laboratory as part of a predisposition screen in an ostensibly healthy population. It had not been previously curated by ICSL or reported in the Human Gene Mutation Database (HGMD: prior to June 1st, 2018), and was therefore a candidate for classification through an automated scoring system. Utilizing variant allele frequency, disease prevalence and penetrance estimates, and inheritance mode, an automated score was calculated to assess if this variant is too frequent to cause the disease. Based on the score and internal cut-off values, a variant classified as likely benign is not then subjected to further curation. The score for this variant resulted in a classification of likely benign for this disease.

Illumina Laboratory Services, Illumina
Classification: Likely benign for Lethal arthrogryposis-anterior horn cell disease syndrome. Last evaluated: 2018-01-13. Review status: criteria provided, single submitter. Criteria: ICSL Variant Classification Criteria 13 December 2019. Collection method: clinical testing. Allele origin: germline.
Comment: the same text as in the submission from Illumina Laboratory Services, Illumina above.

Eurofins Ntd Llc (ga)
Classification: Uncertain significance. Last evaluated: 2014-11-06. Review status: criteria provided, single submitter. Criteria: EGL Classification Definitions 2015. Collection method: clinical testing. Allele origin: germline. Observed: 1 variant allele, 1 heterozygote.

Natera, Inc.
Classification: Likely benign for Lethal congenital contractural syndrome Finnish type. Last evaluated: 2019-10-24. Review status: no assertion criteria provided. Collection method: clinical testing. Allele origin: germline. Not counted in ClinVar's aggregate classification.

NM_001003722.2(GLE1):c.1641T>C (p.Tyr547=)

Genes: GLE1 (GLE1 RNA export mediator; plus strand), LOC101929270 (uncharacterized LOC101929270; minus strand). Cytogenetic location: 9q34.11.
Variant type: single nucleotide variant.
Coding change: c.1641T>C on transcript NM_001003722.2 (MANE Select); coding-DNA position 1641, T replaced by C.
Protein change: p.Tyr547=; no amino-acid change (tyrosine 547 retained).
Molecular consequence: synonymous variant.
Genome position (GRCh38, 1-based): chr9:128,533,946, T>C. VCF-style: chr9-128533946-T-C. GRCh37 (hg19) VCF-style: chr9-131296225-T-C.
Other names: c.1641T>C, p.Tyr547= (NM_001499.2).
Identifiers: ClinVar variation 193820 (VCV000193820.22), dbSNP rs77053118, ClinGen allele CA239485.